The following is an entry in ClinVar:

ClinVar aggregate classification (germline): Benign (1 of 4 stars; one submission).
ClinVar aggregate classification (somatic clinical impact): Tier II - Potential (1 of 4 stars; one submission).

Conditions:
Kabuki syndrome. Also called: Kabuki make-up syndrome; NIIKAWA-KUROKI SYNDROME. Identifiers: Orphanet 2322, MedGen C0796004, MONDO:0016512.
Medulloblastoma WNT activated. Identifiers: MedGen C4331965, MONDO:0850196.

Allele frequency attached by ClinVar (database versions not stated): gnomAD exomes 0.00001; TOPMed 0.00001; ExAC 0.00002; gnomAD 0.00003.
gnomAD v4.1: 18 of 1,613,792 alleles (0.0011%); highest among the groups gnomAD compares: Non-Finnish European, 0.0014%; no homozygotes.

Submissions (2):

Institute for Genomic Medicine (IGM) Clinical Laboratory, Nationwide Children's Hospital
Classification: Tier II - Potential for Medulloblastoma WNT activated. Assertion type: diagnostic. Clinical significance: supports diagnosis. Last evaluated: 2022-11-28. Review status: criteria provided, single submitter. Criteria: AMP/ASCO/CAP Guidelines, 2017. Collection method: clinical testing. Allele origin: somatic. Affected: yes.
Comment: Variant has Tier II (potential) clinical significance as a diagnostic inclusion criterion in medulloblastoma WNT activated, based on the following evidence: 1) Appears in one or more well-established professional guidelines (e.g., World Health Organization [WHO]; National Comprehensive Cancer Network [NCCN]) as providing diagnostic, prognostic, or therapeutic information (PMIDs: 28726821, 33172502, 21163964). 2) Diagnostic significance based on multiple small studies (Evidence Level C; PMIDs: 28726821, 33172502, 21163964).

Labcorp Genetics (formerly Invitae), Labcorp
Classification: Benign for Kabuki syndrome. Last evaluated: 2022-11-15. Review status: criteria provided, single submitter. Criteria: Invitae Variant Classification Sherloc (09022015). Collection method: clinical testing. Allele origin: germline.

Literature cited by the submitters: PubMed 28726821 (cited by Institute for Genomic Medicine (IGM) Clinical Laboratory, Nationwide Children's Hospital); PubMed 33172502 (cited by Institute for Genomic Medicine (IGM) Clinical Laboratory, Nationwide Children's Hospital); PubMed 21163964 (cited by Institute for Genomic Medicine (IGM) Clinical Laboratory, Nationwide Children's Hospital).

NM_003482.4(KMT2D):c.12626C>T (p.Pro4209Leu)

Gene: KMT2D (lysine methyltransferase 2D; minus strand). Cytogenetic location: 12q13.12.
Variant type: single nucleotide variant.
Coding change: c.12626C>T on transcript NM_003482.4 (MANE Select); coding-DNA position 12626, C replaced by T.
Protein change: p.Pro4209Leu; replaces proline 4209 with leucine.
Molecular consequence: missense variant.
Genome position (GRCh38, 1-based): chr12:49,032,079, G>A on the plus strand (C>T on the coding strand, the complement: KMT2D is on the minus strand). VCF-style: chr12-49032079-G-A. GRCh37 (hg19) VCF-style: chr12-49425862-G-A.
Other names: short protein forms P4209L.
Identifiers: ClinVar variation 649010 (VCV000649010.9), dbSNP rs765983115, ClinGen allele CA6546172.
Genomic context (GRCh38, chr12:49,032,079, plus strand): 5'-CGCTGCATGAGGAGTGCCTGTAGCTGCTGCTGCTGCTGAGGACTTAAGTGCCGCAGCTGT[G>A]GGTTTTTGGCCAGGACTCCTTGGAGCTGTGCTCGAAGCTGACCCACCGTAGGCATGATTC-3'
Protein context (NP_003473.3, residues 4199-4219): AQLQGVLAKN[Pro4209Leu]QLRHLSPQQQ